The following is an entry in ClinVar:

ClinVar aggregate classification (germline): Benign/Likely benign. Review status: criteria provided, multiple submitters, no conflicts (2 of 4 stars). 7 submissions from 7 submitters: Benign (3); Likely benign (4). Last evaluated 2026-01-14.

Conditions:
Hereditary spastic paraplegia 10 (SPG10). Also called: SPASTIC PARAPLEGIA 10, AUTOSOMAL DOMINANT; SPASTIC PARAPLEGIA 10 WITH OR WITHOUT PERIPHERAL NEUROPATHY; SPASTIC PARAPLEGIA 10 WITH PERIPHERAL NEUROPATHY. Identifiers: Orphanet 100991, MedGen C1858712, MONDO:0011408, OMIM 604187.
Spastic paraplegia. Identifiers: MedGen C0037772, HP:0001258.
Hereditary spastic paraplegia. Also called: Familial spastic paraparesis. Identifiers: Orphanet 685, MedGen C0037773, MONDO:0019064. Disease mechanism: loss of function.

Allele frequency attached by ClinVar (database versions not stated): gnomAD 0.00016 and 0.00024; TOPMed 0.00017; gnomAD exomes 0.00024 and 0.00035; ExAC 0.00036; 1000 Genomes Project 0.00120; 1000 Genomes Project 30x 0.00125.

Submissions (7):

Labcorp Genetics (formerly Invitae), Labcorp
Classification: Benign for Spastic paraplegia. Last evaluated: 2026-01-14. Review status: criteria provided, single submitter. Criteria: Invitae Variant Classification Sherloc (09022015). Collection method: clinical testing. Allele origin: germline.

CeGaT Center for Human Genetics Tuebingen
Classification: Likely benign. Last evaluated: 2024-11-01. Review status: criteria provided, single submitter. Criteria: CeGaT Center For Human Genetics Tuebingen Variant Classification Criteria Version 2. Collection method: clinical testing. Allele origin: germline. Affected: yes. Observed: 1 variant allele.
Comment: KIF5A: BP4, BP7, BS1

Blueprint Genetics
Classification: Likely benign. Last evaluated: 2024-09-09. Review status: criteria provided, single submitter. Criteria: ACMG Guidelines, 2015. Collection method: clinical testing. Allele origin: germline.

Illumina Laboratory Services, Illumina
Classification: Benign for Hereditary spastic paraplegia 10. Last evaluated: 2018-01-13. Review status: criteria provided, single submitter. Criteria: ICSL Variant Classification Criteria 13 December 2019. Collection method: clinical testing. Allele origin: germline.
Comment: This variant was observed in the ICSL laboratory as part of a predisposition screen in an ostensibly healthy population. It had not been previously curated by ICSL or reported in the Human Gene Mutation Database (HGMD: prior to June 1st, 2018), and was therefore a candidate for classification through an automated scoring system. Utilizing variant allele frequency, disease prevalence and penetrance estimates, and inheritance mode, an automated score was calculated to assess if this variant is too frequent to cause the disease. Based on the score and internal cut-off values, a variant classified as benign is not then subjected to further curation. The score for this variant resulted in a classification of benign for this disease.

Genome Diagnostics Laboratory, The Hospital for Sick Children
Classification: Likely benign for Hereditary spastic paraplegia. Last evaluated: 2017-08-16. Review status: criteria provided, single submitter. Criteria: ACMG Guidelines, 2015. Collection method: clinical testing. Allele origin: germline. Affected: yes.

GeneDx
Classification: Likely benign. Last evaluated: 2017-02-15. Review status: criteria provided, single submitter. Criteria: GeneDx Variant Classification (06012015). Collection method: clinical testing. Allele origin: germline. Affected: yes.
Comment: This variant is considered likely benign or benign based on one or more of the following criteria: it is a conservative change, it occurs at a poorly conserved position in the protein, it is predicted to be benign by multiple in silico algorithms, and/or has population frequency not consistent with disease.

Athena Diagnostics
Classification: Benign. Last evaluated: 2017-02-13. Review status: criteria provided, single submitter. Criteria: Athena Diagnostics Criteria. Collection method: clinical testing. Allele origin: germline.

NM_004984.4(KIF5A):c.2040G>A (p.Val680=)

Gene: KIF5A (kinesin family member 5A; plus strand). Cytogenetic location: 12q13.3.
Variant type: single nucleotide variant.
Coding change: c.2040G>A on transcript NM_004984.4 (MANE Select); coding-DNA position 2040, G replaced by A.
Protein change: p.Val680=; no amino-acid change (valine 680 retained).
Molecular consequence: synonymous variant.
Genome position (GRCh38, 1-based): chr12:57,576,103, G>A. VCF-style: chr12-57576103-G-A. GRCh37 (hg19) VCF-style: chr12-57969886-G-A.
Other names: c.1773G>A, p.Val591= (NM_001354705.2).
Identifiers: ClinVar variation 309942 (VCV000309942.32), dbSNP rs117670788, ClinGen allele CA6652988.